The following is an entry in ClinVar:

ClinVar aggregate classification (germline): Likely benign (1 of 4 stars; one submission).

Allele frequency attached by ClinVar (database versions not stated): 1000 Genomes Project 30x 0.00094; 1000 Genomes Project 0.00120; ExAC 0.00164; gnomAD 0.00167; TOPMed 0.00169; ESP Exome Variant Server 0.00176; gnomAD exomes 0.00277.
gnomAD v4.1: 4,272 of 1,613,628 alleles (0.26%); highest among the groups gnomAD compares: Non-Finnish European, 0.33%; 4 homozygotes.

Submission:

CeGaT Center for Human Genetics Tuebingen
Classification: Likely benign. Last evaluated: 2026-07-01. Review status: criteria provided, single submitter. Criteria: CeGaT Center For Human Genetics Tuebingen Variant Classification Criteria Version 2. Collection method: clinical testing. Allele origin: germline. Affected: yes. Observed: 2 variant alleles.
Comment: TMEM63C: BP4, BP7

NM_020431.4(TMEM63C):c.735T>C (p.Tyr245=)

Gene: TMEM63C (transmembrane protein 63C; plus strand). Cytogenetic location: 14q24.3.
Variant type: single nucleotide variant.
Coding change: c.735T>C on transcript NM_020431.4 (MANE Select); coding-DNA position 735, T replaced by C.
Protein change: p.Tyr245=; no amino-acid change (tyrosine 245 retained).
Molecular consequence: synonymous variant.
Genome position (GRCh38, 1-based): chr14:77,239,421, T>C. VCF-style: chr14-77239421-T-C. GRCh37 (hg19) VCF-style: chr14-77705764-T-C.
Identifiers: ClinVar variation 2644425 (VCV002644425.24), dbSNP rs17750422, ClinGen allele CA7284788.